The following is an entry in ClinVar:

NM_025137.4(SPG11):c.5014G>T (p.Glu1672Ter)

Gene: SPG11 (SPG11 vesicle trafficking associated, spatacsin; minus strand). Cytogenetic location: 15q21.1.
Variant type: single nucleotide variant.
Coding change: c.5014G>T on transcript NM_025137.4 (MANE Select); coding-DNA position 5014, G replaced by T.
Protein change: p.Glu1672Ter; replaces glutamic acid 1672 with a stop codon.
Molecular consequence: nonsense.
Genome position (GRCh38, 1-based): chr15:44,585,743, C>A on the plus strand (G>T on the coding strand, the complement: SPG11 is on the minus strand). VCF-style: chr15-44585743-C-A. GRCh37 (hg19) VCF-style: chr15-44877941-C-A.
Other names: c.5014G>T (NM_025137.3); c.5014G>T, p.Glu1672Ter (NM_001160227.2, NM_001411132.1); short protein forms E1672*.
Identifiers: ClinVar variation 2137659 (VCV002137659.5), dbSNP rs2505301578, ClinGen allele CA392223498.

ClinVar aggregate classification (germline): Pathogenic/Likely pathogenic. Review status: criteria provided, multiple submitters, no conflicts (2 of 4 stars). 2 submissions from 2 submitters: Pathogenic (1); Likely pathogenic (1). Last evaluated 2024-01-23.

Conditions:
Hereditary spastic paraplegia 11. Also called: Nakamura Osame syndrome; Autosomal recessive hereditary spastic paraplegia, mental impairment, and thin corpus callosum; SPASTIC PARAPLEGIA, AUTOSOMAL RECESSIVE, COMPLICATED, WITH THIN CORPUS CALLOSUM; SPASTIC PARAPLEGIA, AUTOSOMAL RECESSIVE, WITH MENTAL IMPAIRMENT AND THIN CORPUS CALLOSUM; Spastic Paraplegia 11; Spastic paraplegia, mental retardation and thin corpus callosum. Identifiers: Orphanet 2822, MedGen C1858479, MONDO:0011445, OMIM 604360.

Submissions (2):

GeneDx
Classification: Likely pathogenic. Last evaluated: 2024-01-23. Review status: criteria provided, single submitter. Criteria: GeneDx Variant Classification Process June 2021. Collection method: clinical testing. Allele origin: germline. Affected: yes.
Comment: Nonsense variant predicted to result in protein truncation or nonsense mediated decay in a gene for which loss of function is a known mechanism of disease; Not observed at significant frequency in large population cohorts (gnomAD); This variant is associated with the following publications: (PMID: 27077743)

Labcorp Genetics (formerly Invitae), Labcorp
Classification: Pathogenic for Hereditary spastic paraplegia 11. Last evaluated: 2022-03-18. Review status: criteria provided, single submitter. Criteria: Invitae Variant Classification Sherloc (09022015). Collection method: clinical testing. Allele origin: germline.
Comment: This sequence change creates a premature translational stop signal (p.Glu1672*) in the SPG11 gene. It is expected to result in an absent or disrupted protein product. Loss-of-function variants in SPG11 are known to be pathogenic (PMID: 19105190, 20110243, 22154821, 26556829). This variant is not present in population databases (gnomAD no frequency). This premature translational stop signal has been observed in individual(s) with hereditary spastic paraplegia (PMID: 27077743). For these reasons, this variant has been classified as Pathogenic.

Literature cited by the submitters: PubMed 19105190 (cited by Labcorp Genetics (formerly Invitae), Labcorp); PubMed 20110243 (cited by Labcorp Genetics (formerly Invitae), Labcorp); PubMed 22154821 (cited by Labcorp Genetics (formerly Invitae), Labcorp); PubMed 26556829 (cited by Labcorp Genetics (formerly Invitae), Labcorp); PubMed 27077743 (cited by Labcorp Genetics (formerly Invitae), Labcorp).